The following is an entry in ClinVar:

ClinVar aggregate classification (germline): Uncertain significance (1 of 4 stars; one submission).

gnomAD v4.1: 3 of 1,610,198 alleles (0.00019%); highest among the groups gnomAD compares: Non-Finnish European, 0.00017%; no homozygotes.

Submission:

GeneDx
Classification: Uncertain significance. Last evaluated: 2026-03-27. Review status: criteria provided, single submitter. Criteria: GeneDx Variant Classification Process June 2021. Collection method: clinical testing. Allele origin: germline.
Comment: Not observed at significant frequency in large population cohorts (gnomAD); In silico analysis suggests that this missense variant does not alter protein structure/function; Has not been previously published as pathogenic or benign to our knowledge

NM_002804.5(PSMC3):c.724G>T (p.Ala242Ser)

Gene: PSMC3 (proteasome 26S subunit, ATPase 3; minus strand). Cytogenetic location: 11p11.2.
Variant type: single nucleotide variant.
Coding change: c.724G>T on transcript NM_002804.5 (MANE Select); coding-DNA position 724, G replaced by T.
Protein change: p.Ala242Ser; replaces alanine 242 with serine.
Molecular consequence: missense variant.
Genome position (GRCh38, 1-based): chr11:47,422,841, C>A on the plus strand (G>T on the coding strand, the complement: PSMC3 is on the minus strand). VCF-style: chr11-47422841-C-A. GRCh37 (hg19) VCF-style: chr11-47444392-C-A.
Other names: short protein forms A242S.
Identifiers: ClinVar variation 5017505 (VCV005017505.1).
Genomic context (GRCh38, chr11:47,422,841, plus strand): 5'-GAGTTTCTGCTCCTGCCCACTTCCCCCGCATCCCTCCCAAAGTACTCACCTTAGTCTGTG[C>A]GGCACAGGCCCGGGCCAGGAGGGTCTTCCCCGTCCCTGGGGGCCCATACATCAGCACCCC-3'
Protein context (NP_002795.2, residues 232-252): GKTLLARACA[Ala242Ser]QTKATFLKLA